The following is an entry in ClinVar:

ClinVar aggregate classification (germline): Pathogenic. Review status: criteria provided, multiple submitters, no conflicts (2 of 4 stars). 2 submissions from 2 submitters: Pathogenic (2). Last evaluated 2024-10-30.

Conditions:
Waardenburg syndrome type 1 (WS1). Also called: Waardenburg Syndrome Type I; WAARDENBURG SYNDROME WITH DYSTOPIA CANTHORUM. Identifiers: Orphanet 894, MedGen C1847800, MONDO:0008670, OMIM 193500.

Allele frequency attached by ClinVar (database versions not stated): gnomAD exomes below 0.00001; ExAC 0.00001.
gnomAD v4.1: 1 of 1,614,156 alleles (0.000062%); highest among the groups gnomAD compares: Non-Finnish European, 0.000085%; no homozygotes.

Submissions (2):

Labcorp Genetics (formerly Invitae), Labcorp
Classification: Pathogenic. Last evaluated: 2024-10-30. Review status: criteria provided, single submitter. Criteria: Invitae Variant Classification Sherloc (09022015). Collection method: clinical testing. Allele origin: germline.
Comment: This sequence change replaces glycine, which is neutral and non-polar, with arginine, which is basic and polar, at codon 81 of the PAX3 protein (p.Gly81Arg). This variant is present in population databases (rs483353059, gnomAD 0.0009%). This missense change has been observed in individuals with autosomal dominant Waardenburg syndrome (PMID: 20127975, 34142234). ClinVar contains an entry for this variant (Variation ID: 995911). Invitae Evidence Modeling of protein sequence and biophysical properties (such as structural, functional, and spatial information, amino acid conservation, physicochemical variation, residue mobility, and thermodynamic stability) indicates that this missense variant is expected to disrupt PAX3 protein function with a positive predictive value of 80%. This variant disrupts the p.Gly81 amino acid residue in PAX3. Other variant(s) that disrupt this residue have been determined to be pathogenic (PMID: 8490648, 9302254, 25991456). This suggests that this residue is clinically significant, and that variants that disrupt this residue are likely to be disease-causing. For these reasons, this variant has been classified as Pathogenic.

Genetic Testing Center for Deafness, Department of Otolaryngology Head & Neck Surgery, Institute of Otolaryngology, Chinese PLA General Hospital
Classification: Pathogenic for Waardenburg syndrome type 1. Last evaluated: 2019-01-01. Review status: criteria provided, single submitter. Criteria: ACMG Guidelines, 2015. Collection method: clinical testing. Allele origin: inherited. Affected: yes.

Literature cited by the submitters: PubMed 20127975 (cited by Labcorp Genetics (formerly Invitae), Labcorp); PubMed 34142234 (cited by Labcorp Genetics (formerly Invitae), Labcorp); PubMed 8490648 (cited by Labcorp Genetics (formerly Invitae), Labcorp); PubMed 9302254 (cited by Labcorp Genetics (formerly Invitae), Labcorp); PubMed 25991456 (cited by Labcorp Genetics (formerly Invitae), Labcorp).

NM_181458.4(PAX3):c.241G>C (p.Gly81Arg)

Gene: PAX3 (paired box 3; minus strand). Cytogenetic location: 2q36.1.
Variant type: single nucleotide variant.
Coding change: c.241G>C on transcript NM_181458.4 (MANE Select); coding-DNA position 241, G replaced by C.
Protein change: p.Gly81Arg; replaces glycine 81 with arginine.
Molecular consequence: missense variant.
Genome position (GRCh38, 1-based): chr2:222,297,058, C>G on the plus strand (G>C on the coding strand, the complement: PAX3 is on the minus strand). VCF-style: chr2-222297058-C-G. GRCh37 (hg19) VCF-style: chr2-223161777-C-G.
Other names: c.241G>C, p.Gly81Arg (NM_000438.6, NM_001127366.3, NM_013942.5 and 4 more transcripts); short protein forms G81R.
Identifiers: ClinVar variation 995911 (VCV000995911.3), dbSNP rs483353059, ClinGen allele CA2135792.